The following is an entry in ClinVar:

ClinVar aggregate classification (germline): Benign (1 of 4 stars; one submission).

Allele frequency attached by ClinVar (database versions not stated): 1000 Genomes Project 0.50260; gnomAD 0.50406 and 0.50453; 1000 Genomes Project 30x 0.50468; TOPMed 0.51109.
gnomAD v4.1: 76,606 of 151,768 alleles (50%); highest among the groups gnomAD compares: Admixed American, 61%; 19,498 homozygotes.

Submission:

GeneDx
Classification: Benign. Last evaluated: 2018-06-14. Review status: criteria provided, single submitter. Criteria: GeneDx Variant Classification (06012015). Collection method: clinical testing. Allele origin: germline. Affected: yes.
Comment: This variant is considered likely benign or benign based on one or more of the following criteria: it is a conservative change, it occurs at a poorly conserved position in the protein, it is predicted to be benign by multiple in silico algorithms, and/or has population frequency not consistent with disease.

NM_006846.4(SPINK5):c.795-228C>A

Gene: SPINK5 (serine peptidase inhibitor Kazal type 5; plus strand). Cytogenetic location: 5q32.
Variant type: single nucleotide variant.
Coding change: c.795-228C>A on transcript NM_006846.4 (MANE Select); 228 bases into the intron before coding-DNA position 795, C replaced by A.
Molecular consequence: intron variant.
Genome position (GRCh38, 1-based): chr5:148,095,590, C>A. VCF-style: chr5-148095590-C-A. GRCh37 (hg19) VCF-style: chr5-147475153-C-A.
Other names: c.795-228C>A (NM_001127698.2, NM_001127699.2).
Identifiers: ClinVar variation 677124 (VCV000677124.1), dbSNP rs6870820, ClinGen allele CA11984303.
Genomic context (GRCh38, chr5:148,095,590, plus strand): 5'-TAGCGCTCATTTGTATTTGGGAACTGGAATGTCTTCTTCAAAAAGGTAGAATTTAAGCTG[C>A]AGAGTTTTAAATTTCTTTTAAGAAAGGGAGATGAGAAAAAAGATCATTTTAGTGGAAGTA-3'